The following is an entry in ClinVar:

ClinVar aggregate classification (germline): Pathogenic/Likely pathogenic. Review status: criteria provided, multiple submitters, no conflicts (2 of 4 stars). 4 submissions from 4 submitters: Pathogenic (1); Likely pathogenic (2). 1 of the submissions does not count toward it. Last evaluated 2025-09-08.

Conditions:
Cystic fibrosis (CF). Also called: MUCOVISCIDOSIS. Identifiers: Orphanet 586, MedGen C0010674, MONDO:0009061, OMIM 219700. Disease mechanism: loss of function.

Submissions (4):

Women's Health and Genetics/Laboratory Corporation of America, LabCorp
Classification: Pathogenic for Cystic fibrosis. Last evaluated: 2025-09-08. Review status: criteria provided, single submitter. Criteria: LabCorp Variant Classification Summary - May 2015. Collection method: clinical testing. Allele origin: germline.
Comment: Variant summary: CFTR c.3873+1G>T is located in a canonical splice-site and is predicted to affect mRNA splicing resulting in a significantly altered protein due to either exon skipping, shortening, or inclusion of intronic material. Variants that disrupt the consensus splice site are a relatively common cause of aberrant splicing and loss of CFTR function. Several computational tools predict a significant impact on normal splicing: Four predict the variant abolishes a 5' splicing donor site. The variant was absent in 250620 control chromosomes. c.3873+1G>T has been observed in individual(s) affected with Cystic Fibrosis (ie. Kondratyeva_2024). A different variant affecting the same splice-site has been reported as pathogenic (c.3873+1G>A). The following publication has been ascertained in the context of this evaluation (PMID: 39529847). ClinVar contains an entry for this variant (Variation ID: 551856). Based on the evidence outlined above, the variant was classified as pathogenic.

Institute of Human Genetics, University of Leipzig Medical Center
Classification: Likely pathogenic for Cystic fibrosis. Last evaluated: 2025-07-16. Review status: criteria provided, single submitter. Criteria: ACMG Guidelines, 2015. Collection method: clinical testing. Allele origin: unknown. Inheritance: Autosomal recessive inheritance. Affected: yes.
Comment: Criteria applied: PVS1_STR,PM2,PS1_SUP,PP4

Mayo Clinic Laboratories, Mayo Clinic
Classification: Likely pathogenic. Last evaluated: 2022-02-10. Review status: criteria provided, single submitter. Criteria: ACMG Guidelines, 2015. Collection method: clinical testing. Allele origin: germline. Observed: 1 variant allele.
Comment: PP3, PM2, PVS1_strong

Counsyl
Classification: Likely pathogenic for Cystic fibrosis. Last evaluated: 2017-05-16. Review status: no assertion criteria provided. Collection method: clinical testing. Allele origin: unknown. Not counted in ClinVar's aggregate classification.

Literature cited by the submitters: PubMed 39529847 (cited by Women's Health and Genetics/Laboratory Corporation of America, LabCorp); PubMed 10923036 (cited by Counsyl).

NM_000492.4(CFTR):c.3873+1G>T

Genes: CFTR (CF transmembrane conductance regulator; plus strand), CFTR-AS2 (CFTR antisense RNA 2; minus strand). Cytogenetic location: 7q31.2.
Variant type: single nucleotide variant.
Coding change: c.3873+1G>T on transcript NM_000492.4 (MANE Select); the canonical splice donor site of the intron after coding-DNA position 3873, G replaced by T.
Molecular consequence: splice donor variant.
Genome position (GRCh38, 1-based): chr7:117,642,594, G>T. VCF-style: chr7-117642594-G-T. GRCh37 (hg19) VCF-style: chr7-117282648-G-T.
Identifiers: ClinVar variation 551856 (VCV000551856.5), dbSNP rs143570767, ClinGen allele CA368975667.